The following is an entry in ClinVar:

NM_025074.7(FRAS1):c.9403G>C (p.Asp3135His)

Gene: FRAS1 (Fraser extracellular matrix complex subunit 1; plus strand). Cytogenetic location: 4q21.21.
Variant type: single nucleotide variant.
Coding change: c.9403G>C on transcript NM_025074.7 (MANE Select); coding-DNA position 9403, G replaced by C.
Protein change: p.Asp3135His; replaces aspartic acid 3135 with histidine.
Molecular consequence: missense variant.
Genome position (GRCh38, 1-based): chr4:78,507,507, G>C. VCF-style: chr4-78507507-G-C. GRCh37 (hg19) VCF-style: chr4-79428661-G-C.
Other names: short protein forms D3135H.
Identifiers: ClinVar variation 2010910 (VCV002010910.4), dbSNP rs923559268, ClinGen allele CA99970841.

ClinVar aggregate classification (germline): Uncertain significance (1 of 4 stars; one submission).

Allele frequency attached by ClinVar (database versions not stated): TOPMed 0.00001; gnomAD 0.00001.
gnomAD v4.1: 1 of 1,612,464 alleles (0.000062%); highest among the groups gnomAD compares: African/African-American, 0.0013%; no homozygotes.

Submission:

Labcorp Genetics (formerly Invitae), Labcorp
Classification: Uncertain significance. Last evaluated: 2025-06-12. Review status: criteria provided, single submitter. Criteria: Invitae Variant Classification Sherloc (09022015). Collection method: clinical testing. Allele origin: germline.
Comment: This sequence change replaces aspartic acid, which is acidic and polar, with histidine, which is basic and polar, at codon 3135 of the FRAS1 protein (p.Asp3135His). This variant is present in population databases (no rsID available, gnomAD 0.008%). This variant has not been reported in the literature in individuals affected with FRAS1-related conditions. ClinVar contains an entry for this variant (Variation ID: 2010910). Invitae Evidence Modeling of protein sequence and biophysical properties (such as structural, functional, and spatial information, amino acid conservation, physicochemical variation, residue mobility, and thermodynamic stability) indicates that this missense variant is expected to disrupt FRAS1 protein function with a positive predictive value of 80%. In summary, the available evidence is currently insufficient to determine the role of this variant in disease. Therefore, it has been classified as a Variant of Uncertain Significance.